The following is an entry in ClinVar:

ClinVar aggregate classification (germline): Uncertain significance. Review status: criteria provided, multiple submitters, no conflicts (2 of 4 stars). 3 submissions from 3 submitters: Uncertain significance (3). Last evaluated 2024-02-16.

Conditions:
Autosomal dominant childhood-onset proximal spinal muscular atrophy with contractures (SMALED2A). Also called: SPINAL MUSCULAR ATROPHY, LOWER EXTREMITY-PREDOMINANT, 2A, CHILDHOOD ONSET, AUTOSOMAL DOMINANT; Spinal muscular atrophy, lower extremity-predominant, 2A, autosomal dominant. Identifiers: Orphanet 363447, Orphanet 363454, MedGen C4747715, MONDO:0014121, OMIM 615290.

Submissions (3):

Labcorp Genetics (formerly Invitae), Labcorp
Classification: Uncertain significance for Autosomal dominant childhood-onset proximal spinal muscular atrophy with contractures. Last evaluated: 2024-02-16. Review status: criteria provided, single submitter. Criteria: Invitae Variant Classification Sherloc (09022015). Collection method: clinical testing. Allele origin: germline.
Comment: This variant, c.1704_1721dup, results in the insertion of 6 amino acid(s) of the BICD2 protein (p.Gly570_Pro575dup), but otherwise preserves the integrity of the reading frame. This variant is present in population databases (no rsID available, gnomAD 0.003%). This variant has not been reported in the literature in individuals affected with BICD2-related conditions. ClinVar contains an entry for this variant (Variation ID: 446893). Experimental studies and prediction algorithms are not available or were not evaluated, and the functional significance of this variant is currently unknown. In summary, the available evidence is currently insufficient to determine the role of this variant in disease. Therefore, it has been classified as a Variant of Uncertain Significance.

Kariminejad - Najmabadi Pathology & Genetics Center
Classification: Uncertain significance for Autosomal dominant childhood-onset proximal spinal muscular atrophy with contractures. Last evaluated: 2023-11-11. Review status: criteria provided, single submitter. Criteria: ACMG Guidelines, 2015. Collection method: clinical testing. Allele origin: germline. Inheritance: Autosomal dominant inheritance. Affected: yes.
Comment: PM2,PM4

Athena Diagnostics
Classification: Uncertain significance. Last evaluated: 2016-09-01. Review status: criteria provided, single submitter. Criteria: Athena Diagnostics Criteria. Collection method: clinical testing. Allele origin: germline.

NM_001003800.2(BICD2):c.1704_1721dup (p.Gly570_Pro575dup)

Gene: BICD2 (BICD cargo adaptor 2; minus strand). Cytogenetic location: 9q22.31.
Variant type: Duplication.
Coding change: c.1704_1721dup on transcript NM_001003800.2 (MANE Select); coding-DNA positions 1704 to 1721, 18 bases duplicated (TCCCGGGGGCCGCACCAG).
Protein change: p.Gly570_Pro575dup.
Molecular consequence: inframe insertion.
Genome position (GRCh38, 1-based): chr9:92,718,924-92,718,941, CTGGTGCGGCCCCCGGGA duplicated on the plus strand (TCCCGGGGGCCGCACCAG on the coding strand, the reverse complement: BICD2 is on the minus strand); duplicating any 18 consecutive bases within chr9:92,718,924-92,718,952 gives the same sequence; the c. name uses the placement nearest the transcript's 3' end. VCF-style (leftmost placement, unchanged base first): chr9-92718923-G-GCTGGTGCGGCCCCCGGGA. GRCh37 (hg19) VCF-style: chr9-95481205-G-GCTGGTGCGGCCCCCGGGA.
Other names: c.1704_1721dup, p.Gly570_Pro575dup (NM_015250.4).
Identifiers: ClinVar variation 446893 (VCV000446893.9), dbSNP rs998616675, ClinGen allele CA196340315.
Genomic context (GRCh38, chr9:92,718,923, plus strand): 5'-CTCAGGAGCCAGCAGCCCCTTGGGTAGGAGGATGGGTGAGCGCCGGCCACGCGCCTCGGG[G>GCTGGTGCGGCCCCCGGGA]CTGGTGCGGCCCCCGGGACTGGTGCGGCCGGCCCCGCCCTGGCCCTCGCGGTAGTAGTCC-3'